The following is an entry in ClinVar:

NM_013352.4(DSE):c.1821C>A (p.Ile607=)

Gene: DSE (dermatan sulfate epimerase; plus strand). Cytogenetic location: 6q22.1.
Variant type: single nucleotide variant.
Coding change: c.1821C>A on transcript NM_013352.4 (MANE Select); coding-DNA position 1821, C replaced by A.
Protein change: p.Ile607=; no amino-acid change (isoleucine 607 retained).
Molecular consequence: synonymous variant. On other transcripts: 3 prime UTR variant (2), non-coding transcript variant (1).
Genome position (GRCh38, 1-based): chr6:116,436,289, C>A. VCF-style: chr6-116436289-C-A. GRCh37 (hg19) VCF-style: chr6-116757452-C-A.
Other names: c.1821C>A, p.Ile607= (NM_001080976.3, NM_001322937.2, NM_001322938.2); c.1878C>A, p.Ile626= (NM_001322939.2); c.1260C>A, p.Ile420= (NM_001322940.2, NM_001322941.2); c.*686C>A (NM_001322943.2, NM_001322944.2); c.822C>A, p.Ile274= (NM_001374520.1); c.786C>A, p.Ile262= (NM_001374521.1).
Identifiers: ClinVar variation 4848658 (VCV004848658.1).

ClinVar aggregate classification (germline): Likely benign (1 of 4 stars; one submission).

gnomAD v4.1: 1 of 1,614,124 alleles (0.000062%); highest among the groups gnomAD compares: Non-Finnish European, 0.000085%; no homozygotes.

Submission:

Women's Health and Genetics/Laboratory Corporation of America, LabCorp
Classification: Likely benign. Last evaluated: 2026-04-13. Review status: criteria provided, single submitter. Criteria: LabCorp Variant Classification Summary - May 2015. Collection method: clinical testing. Allele origin: germline.
Comment: Variant summary: DSE c.1821C>A results in a synonymous change. Consensus agreement among computation tools predict no significant impact on normal splicing. However, these predictions have yet to be confirmed by functional studies. The variant was absent in 251368 control chromosomes. The available data on variant occurrences in the general population are insufficient to allow any conclusion about variant significance. To our knowledge, no occurrence of c.1821C>A in individuals affected with DSE-related conditions and no experimental evidence demonstrating its impact on protein function have been reported. No submitters have cited clinical-significance assessments for this variant to ClinVar. Based on the evidence outlined above, the variant was classified as likely benign.